The following is an entry in ClinVar:

NM_021922.3(FANCE):c.248+6T>A

Genes: FANCE (FA complementation group E; plus strand), LOC129996245 (ATAC-STARR-seq lymphoblastoid silent region 17092; plus strand). Cytogenetic location: 6p21.31.
Variant type: single nucleotide variant.
Coding change: c.248+6T>A on transcript NM_021922.3 (MANE Select); 6 bases into the intron after coding-DNA position 248, T replaced by A.
Molecular consequence: intron variant.
Genome position (GRCh38, 1-based): chr6:35,452,799, T>A. VCF-style: chr6-35452799-T-A. GRCh37 (hg19) VCF-style: chr6-35420576-T-A.
Other names: c.248+6T>A (NM_001410876.1).
Identifiers: ClinVar variation 3637408 (VCV003637408.2).
Genomic context (GRCh38, chr6:35,452,799, plus strand): 5'-AGGCCCTGTGCCGGGAGGAGCCGGTCGTGCAGGGGCCTGACGGCCGTCTGGAGCTGTAAG[T>A]CCTCGCCCGCGGCCCCTTAGCAGGTATGGGAGGCGGGGGGCTGTCGGGGGAACGACACAC-3'

ClinVar aggregate classification (germline): Uncertain significance (1 of 4 stars; one submission).

Conditions:
Fanconi anemia complementation group E (FANCE). Also called: FANCE-Related Fanconi Anemia. Identifiers: Orphanet 84, MedGen C3160739, MONDO:0010953, OMIM 600901.

Submission:

Labcorp Genetics (formerly Invitae), Labcorp
Classification: Uncertain significance for Fanconi anemia complementation group E. Last evaluated: 2024-12-26. Review status: criteria provided, single submitter. Criteria: Invitae Variant Classification Sherloc (09022015). Collection method: clinical testing. Allele origin: germline.
Comment: This sequence change falls in intron 1 of the FANCE gene. It does not directly change the encoded amino acid sequence of the FANCE protein. It affects a nucleotide within the consensus splice site. This variant is not present in population databases (gnomAD no frequency). This variant has not been reported in the literature in individuals affected with FANCE-related conditions. Variants that disrupt the consensus splice site are a relatively common cause of aberrant splicing (PMID: 17576681, 9536098). Algorithms developed to predict the effect of sequence changes on RNA splicing suggest that this variant may disrupt the consensus splice site. In summary, the available evidence is currently insufficient to determine the role of this variant in disease. Therefore, it has been classified as a Variant of Uncertain Significance.

Literature cited by the submitters: PubMed 17576681; PubMed 9536098.